The following is an entry in ClinVar:

ClinVar aggregate classification (germline): Uncertain significance (1 of 4 stars; one submission).

Submission:

Labcorp Genetics (formerly Invitae), Labcorp
Classification: Uncertain significance. Last evaluated: 2022-09-07. Review status: criteria provided, single submitter. Criteria: Invitae Variant Classification Sherloc (09022015). Collection method: clinical testing. Allele origin: germline.
Comment: This variant, c.2878_2879insCCG, results in the insertion of 1 amino acid(s) of the CACNA1B protein (p.Arg959_Gly960insAla), but otherwise preserves the integrity of the reading frame. This variant is not present in population databases (gnomAD no frequency). This variant has not been reported in the literature in individuals affected with CACNA1B-related conditions. In summary, the available evidence is currently insufficient to determine the role of this variant in disease. Therefore, it has been classified as a Variant of Uncertain Significance.

NM_000718.4(CACNA1B):c.2878_2879insCCG (p.Arg959_Gly960insAla)

Gene: CACNA1B (calcium voltage-gated channel subunit alpha1 B; plus strand). Cytogenetic location: 9q34.3.
Variant type: Insertion.
Coding change: c.2878_2879insCCG on transcript NM_000718.4 (MANE Select); coding-DNA positions 2878 to 2879, CCG inserted.
Protein change: p.Arg959_Gly960insAla.
Molecular consequence: inframe insertion.
Genome position: GRCh38 VCF-style: chr9-138023619-G-GCGC. GRCh37 (hg19) VCF-style: chr9-140918071-G-GCGC.
Other names: c.2878_2879insCCG, p.Arg959_Gly960insAla (NM_001243812.2).
Identifiers: ClinVar variation 1914283 (VCV001914283.2), dbSNP rs1459517017, ClinGen allele CA861228102.
Genomic context (GRCh38, chr9:138,023,619, plus strand): 5'-GGCACCAGGATCCGAGCAAGGAGTGCGCCGGCGCCAAGGGCGAGCGGCGCGCGCGGCACC[G>GCGC]CGGCGGCCCCCGAGCGGGGCCCCGGGAGGCGGAGAGCGGGGAGGAGCCGGCGCGGCGGCA-3'